The following is an entry in ClinVar:

ClinVar aggregate classification (germline): Uncertain significance. Review status: criteria provided, multiple submitters, no conflicts (2 of 4 stars). 5 submissions from 4 submitters: Uncertain significance (5). Last evaluated 2021-08-13.

Conditions:
LAMB2-related infantile-onset nephrotic syndrome. Also called: NEPHROTIC SYNDROME, TYPE 5, WITHOUT OCULAR ABNORMALITIES; NEPHROTIC SYNDROME, TYPE 5, WITH OCULAR ABNORMALITIES; Nephrotic Syndrome, type 5. Identifiers: Orphanet 306507, MedGen C3280113, MONDO:0013621, OMIM 614199.
Pierson syndrome. Also called: MICROCORIA-CONGENITAL NEPHROTIC SYNDROME. Identifiers: Orphanet 2670, MedGen C1836876, MONDO:0012184, OMIM 609049.
Kidney disorder. Also called: renal disorder; renal disease; Nephropathy; Kidney disease; Kidney Diseases. Identifiers: MedGen C0022658, MONDO:0005240, HP:0000112.

Allele frequency attached by ClinVar (database versions not stated): TOPMed 0.00001; gnomAD 0.00003 and 0.00004; gnomAD exomes 0.00003 and 0.00004; ExAC 0.00006; 1000 Genomes Project 30x 0.00016; 1000 Genomes Project 0.00020.

Submissions (5):

Fulgent Genetics
Classification: Uncertain significance for Pierson syndrome; LAMB2-related infantile-onset nephrotic syndrome. Last evaluated: 2021-08-13. Review status: criteria provided, single submitter. Criteria: ACMG Guidelines, 2015. Collection method: clinical testing. Allele origin: unknown.

Labcorp Genetics (formerly Invitae), Labcorp
Classification: Uncertain significance for LAMB2-related infantile-onset nephrotic syndrome; Pierson syndrome. Last evaluated: 2021-07-07. Review status: criteria provided, single submitter. Criteria: Invitae Variant Classification Sherloc (09022015). Collection method: clinical testing. Allele origin: germline.
Comment: In summary, the available evidence is currently insufficient to determine the role of this variant in disease. Therefore, it has been classified as a Variant of Uncertain Significance. Algorithms developed to predict the effect of missense changes on protein structure and function (SIFT, PolyPhen-2, Align-GVGD) all suggest that this variant is likely to be disruptive, but these predictions have not been confirmed by published functional studies and their clinical significance is uncertain. This variant has not been reported in the literature in individuals with LAMB2-related conditions. ClinVar contains an entry for this variant (Variation ID: 900355). This variant is present in population databases (rs536235346, ExAC 0.07%). This sequence change replaces arginine with glutamine at codon 925 of the LAMB2 protein (p.Arg925Gln). The arginine residue is highly conserved and there is a small physicochemical difference between arginine and glutamine.

Illumina Laboratory Services, Illumina
Classification: Uncertain significance for LAMB2-related infantile-onset nephrotic syndrome. Last evaluated: 2018-01-12. Review status: criteria provided, single submitter. Criteria: ICSL Variant Classification Criteria 13 December 2019. Collection method: clinical testing. Allele origin: germline.

Illumina Laboratory Services, Illumina
Classification: Uncertain significance for Pierson syndrome. Last evaluated: 2018-01-12. Review status: criteria provided, single submitter. Criteria: ICSL Variant Classification Criteria 13 December 2019. Collection method: clinical testing. Allele origin: germline.

Genome Diagnostics Laboratory, The Hospital for Sick Children
Classification: Uncertain significance for Kidney disorder. Last evaluated: 2016-12-12. Review status: criteria provided, single submitter. Criteria: ACMG Guidelines, 2015. Collection method: clinical testing. Allele origin: germline.

NM_002292.4(LAMB2):c.2774G>A (p.Arg925Gln)

Gene: LAMB2 (laminin subunit beta 2; minus strand). Cytogenetic location: 3p21.31.
Variant type: single nucleotide variant.
Coding change: c.2774G>A on transcript NM_002292.4 (MANE Select); coding-DNA position 2774, G replaced by A.
Protein change: p.Arg925Gln; replaces arginine 925 with glutamine.
Molecular consequence: missense variant.
Genome position (GRCh38, 1-based): chr3:49,125,116, C>T on the plus strand (G>A on the coding strand, the complement: LAMB2 is on the minus strand). VCF-style: chr3-49125116-C-T. GRCh37 (hg19) VCF-style: chr3-49162549-C-T.
Other names: short protein forms R925Q.
Identifiers: ClinVar variation 900355 (VCV000900355.14), dbSNP rs536235346, ClinGen allele CA2394209.